The following is an entry in ClinVar:

ClinVar aggregate classification (germline): Likely benign (1 of 4 stars; one submission).

gnomAD v4.1: 14 of 1,567,822 alleles (0.00089%); highest among the groups gnomAD compares: Non-Finnish European, 0.0011%; no homozygotes.

Submission:

CeGaT Center for Human Genetics Tuebingen
Classification: Likely benign. Last evaluated: 2026-06-01. Review status: criteria provided, single submitter. Criteria: CeGaT Center For Human Genetics Tuebingen Variant Classification Criteria Version 2. Collection method: clinical testing. Allele origin: germline. Affected: yes. Observed: 1 variant allele.
Comment: MAST1: BS2

NM_014975.3(MAST1):c.3934G>A (p.Gly1312Ser)

Gene: MAST1 (microtubule associated serine/threonine kinase 1; plus strand). Cytogenetic location: 19p13.13.
Variant type: single nucleotide variant.
Coding change: c.3934G>A on transcript NM_014975.3 (MANE Select); coding-DNA position 3934, G replaced by A.
Protein change: p.Gly1312Ser; replaces glycine 1312 with serine.
Molecular consequence: missense variant.
Genome position (GRCh38, 1-based): chr19:12,874,091, G>A. VCF-style: chr19-12874091-G-A. GRCh37 (hg19) VCF-style: chr19-12984905-G-A.
Other names: short protein forms G1312S.
Identifiers: ClinVar variation 4872554 (VCV004872554.2).
Genomic context (GRCh38, chr19:12,874,091, plus strand): 5'-CCGGATTTCCGCAAGGACTTCCATGGCGAGCTGGCGCTGCATAGCCTTGCCGAGTCCGAC[G>A]GTGAGACGCCCCCAGTCGAGGGCCTTGGCGCGCCCCGGCAGGTCGCCGTCCGCCGCCTGG-3'
Protein context (NP_055790.1, residues 1302-1322): LALHSLAESD[Gly1312Ser]ETPPVEGLGA